The following is an entry in ClinVar:

NM_007294.4(BRCA1):c.1712T>G (p.Ile571Arg)

Gene: BRCA1 (BRCA1 DNA repair associated; minus strand). Cytogenetic location: 17q21.31.
Variant type: single nucleotide variant.
Coding change: c.1712T>G on transcript NM_007294.4 (MANE Select); coding-DNA position 1712, T replaced by G.
Protein change: p.Ile571Arg; replaces isoleucine 571 with arginine.
Molecular consequence: missense variant. On other transcripts: intron variant (137).
Genome position (GRCh38, 1-based): chr17:43,093,819, A>C on the plus strand (T>G on the coding strand, the complement: BRCA1 is on the minus strand). VCF-style: chr17-43093819-A-C. GRCh37 (hg19) VCF-style: chr17-41245836-A-C.
Other names: c.664+925T>G (NM_001408441.1, NM_001408437.1, NM_001408429.1 and 12 more transcripts); c.646+925T>G (NM_001408410.1, NM_001408456.1, NM_001408458.1 and 11 more transcripts); c.709+925T>G (NM_001408415.1, NM_001408414.1, NM_001408411.1 and 2 more transcripts); c.577+925T>G (NM_001408483.1, NM_001408482.1, NM_001408484.1 and 9 more transcripts); c.787+925T>G (NM_001407979.1, NM_001407977.1, NM_001407981.1 and 19 more transcripts); c.643+925T>G (NM_001408465.1, NM_001408463.1, NM_001408462.1 and 3 more transcripts); c.520+925T>G (NM_001408504.1, NM_001408503.1, NM_001408505.1); c.523+925T>G (NM_001408499.1, NM_001408498.1, NM_001408501.1 and 3 more transcripts); and 40 more; short protein forms I524R, I571R, I500R, I501R, I503R, I530R, I523R, I570R.
Identifiers: ClinVar variation 819888 (VCV000819888.8), dbSNP rs80357159, ClinGen allele CA10598602.

ClinVar aggregate classification (germline): Conflicting classifications of pathogenicity. Review status: criteria provided, conflicting classifications (1 of 4 stars). 2 submissions from 2 submitters: Uncertain significance (1); Likely benign (1). Last evaluated 2023-03-23.

Conditions:
Hereditary cancer-predisposing syndrome. Also called: Neoplastic Syndromes, Hereditary; Tumor predisposition; Hereditary Cancer Syndrome; Hereditary neoplastic syndrome. Identifiers: Orphanet 140162, MedGen C0027672, MeSH D009386, MONDO:0015356.

Submissions (2):

University of Washington Department of Laboratory Medicine, University of Washington
Classification: Likely benign for Hereditary cancer-predisposing syndrome. Last evaluated: 2023-03-23. Review status: criteria provided, single submitter. Criteria: Dines et al. (Genet Med. 2020). Collection method: curation. Allele origin: germline.
Comment: Missense variant in a coldspot region where missense variants are very unlikely to be pathogenic (PMID:31911673).

BRCA1 coldspot (exon 11 using historical exon numbering). Reclassification based on statistical prior probability

Ambry Genetics
Classification: Uncertain significance for Hereditary cancer-predisposing syndrome. Last evaluated: 2023-02-18. Review status: criteria provided, single submitter. Criteria: Ambry Variant Classification Scheme 2023. Collection method: clinical testing. Allele origin: germline.
Comment: The p.I571R variant (also known as c.1712T>G), located in coding exon 9 of the BRCA1 gene, results from a T to G substitution at nucleotide position 1712. The isoleucine at codon 571 is replaced by arginine, an amino acid with similar properties. This amino acid position is poorly conserved in available vertebrate species. In addition, the in silico prediction for this alteration is inconclusive. Since supporting evidence is limited at this time, the clinical significance of this alteration remains unclear.